The following is an entry in ClinVar:

ClinVar aggregate classification (germline): Uncertain significance (1 of 4 stars; one submission).

Conditions:
Inborn genetic diseases. Identifiers: MedGen C0950123, MeSH D030342.

Allele frequency attached by ClinVar (database versions not stated): gnomAD exomes 0.00001.
gnomAD v4.1: 11 of 1,611,680 alleles (0.00068%); highest among the groups gnomAD compares: African/African-American, 0.0013%; no homozygotes.

Submission:

Ambry Genetics
Classification: Uncertain significance for Inborn genetic diseases. Last evaluated: 2023-01-05. Review status: criteria provided, single submitter. Criteria: Ambry Variant Classification Scheme 2023. Collection method: clinical testing. Allele origin: germline.
Comment: The p.I84T variant (also known as c.251T>C), located in coding exon 5 of the ERCC2 gene, results from a T to C substitution at nucleotide position 251. The isoleucine at codon 84 is replaced by threonine, an amino acid with similar properties. This amino acid position is conserved. In addition, this alteration is predicted to be deleterious by in silico analysis. Since supporting evidence is limited at this time, the clinical significance of this alteration remains unclear.

NM_000400.4(ERCC2):c.251T>C (p.Ile84Thr)

Gene: ERCC2 (ERCC excision repair 2, TFIIH core complex helicase subunit; minus strand). Cytogenetic location: 19q13.32.
Variant type: single nucleotide variant.
Coding change: c.251T>C on transcript NM_000400.4 (MANE Select); coding-DNA position 251, T replaced by C.
Protein change: p.Ile84Thr; replaces isoleucine 84 with threonine.
Molecular consequence: missense variant.
Genome position (GRCh38, 1-based): chr19:45,368,739, A>G on the plus strand (T>C on the coding strand, the complement: ERCC2 is on the minus strand). VCF-style: chr19-45368739-A-G. GRCh37 (hg19) VCF-style: chr19-45871997-A-G.
Other names: c.179T>C, p.Ile60Thr (NM_001130867.2); short protein forms I60T, I84T.
Identifiers: ClinVar variation 2452358 (VCV002452358.2), dbSNP rs2514044139, ClinGen allele CA406378863.